The following is an entry in ClinVar:

ClinVar aggregate classification (germline): Pathogenic (1 of 4 stars; one submission).

Conditions:
Cutis laxa. Identifiers: Orphanet 209, MedGen C0010495, MONDO:0016175, HP:0000973.

Submission:

Women's Health and Genetics/Laboratory Corporation of America, LabCorp
Classification: Pathogenic for Cutis laxa. Last evaluated: 2024-02-12. Review status: criteria provided, single submitter. Criteria: LabCorp Variant Classification Summary - May 2015. Collection method: clinical testing. Allele origin: germline.
Comment: Variant summary: PYCR1 c.148delG (p.Val50X) results in a premature termination codon, predicted to cause absence of the protein due to nonsense mediated decay, which is a commonly known mechanism for disease. The variant was absent in 239666 control chromosomes (gnomAD). To our knowledge, no occurrence of c.148delG in individuals affected with Cutis Laxa - PYCR1 Related and no experimental evidence demonstrating its impact on protein function have been reported. No submitters have cited clinical-significance assessments for this variant to ClinVar. Based on the evidence outlined above, the variant was classified as pathogenic.

NM_006907.4(PYCR1):c.148del (p.Gly49_Val50insTer)

Gene: PYCR1 (pyrroline-5-carboxylate reductase 1; minus strand). Cytogenetic location: 17q25.3.
Variant type: Deletion.
Coding change: c.148del on transcript NM_006907.4 (MANE Select); coding-DNA position 148, one base deleted (G; older notation c.148delG).
Protein change: p.Gly49_Val50insTer.
Molecular consequence: nonsense.
Genome position (GRCh38, 1-based): chr17:81,935,507, C deleted on the plus strand (G on the coding strand, the reverse complement: PYCR1 is on the minus strand); the first of 5 consecutive C bases (chr17:81,935,507-81,935,511); deleting any one gives the same sequence. VCF-style (leftmost placement, unchanged base first): chr17-81935506-AC-A. GRCh37 (hg19) VCF-style: chr17-79893382-AC-A.
Other names: c.148del, p.Gly49_Val50insTer (NM_001282279.2, NM_001282280.2, NM_001330523.2 and 1 more transcripts); c.229del, p.Gly76_Val77insTer (NM_001282281.2); c.148delG (NM_006907.4).
Identifiers: ClinVar variation 3069061 (VCV003069061.2), dbSNP rs2510120727, ClinGen allele CA2640542822.